The following is an entry in ClinVar:

ClinVar aggregate classification (germline): Benign/Likely benign. Review status: criteria provided, multiple submitters, no conflicts (2 of 4 stars). 4 submissions from 4 submitters: Benign (1); Likely benign (3). Last evaluated 2025-12-21.

Conditions:
Hereditary cancer-predisposing syndrome. Also called: Neoplastic Syndromes, Hereditary; Tumor predisposition; Hereditary neoplastic syndrome; Hereditary Cancer Syndrome. Identifiers: Orphanet 140162, MedGen C0027672, MeSH D009386, MONDO:0015356.
Familial adenomatous polyposis 1 (FAP1). Also called: POLYPOSIS, ADENOMATOUS INTESTINAL; FAMILIAL ADENOMATOUS POLYPOSIS 1, ATTENUATED. Identifiers: MedGen C2713442, MONDO:0021056, OMIM 175100. Disease mechanism: loss of function.

Allele frequency attached by ClinVar (database versions not stated): gnomAD exomes below 0.00001.
gnomAD v4.1: 5 of 1,613,902 alleles (0.00031%); highest among the groups gnomAD compares: Non-Finnish European, 0.00042%; no homozygotes.

Submissions (4):

Labcorp Genetics (formerly Invitae), Labcorp
Classification: Likely benign for Familial adenomatous polyposis 1. Last evaluated: 2025-12-21. Review status: criteria provided, single submitter. Criteria: Invitae Variant Classification Sherloc (09022015). Collection method: clinical testing. Allele origin: germline.

Myriad Genetics, Inc.
Classification: Benign for Familial adenomatous polyposis 1. Last evaluated: 2024-04-10. Review status: criteria provided, single submitter. Criteria: Myriad Autosomal Dominant, Autosomal Recessive and X-Linked Classification Criteria (2023). Collection method: clinical testing. Allele origin: unknown.
Comment: This variant is considered benign. This variant is a silent/synonymous amino acid change and it is not expected to impact splicing.

Ambry Genetics
Classification: Likely benign for Hereditary cancer-predisposing syndrome. Last evaluated: 2018-08-15. Review status: criteria provided, single submitter. Criteria: Ambry Variant Classification Scheme 2023. Collection method: clinical testing. Allele origin: germline.

Color Diagnostics, LLC DBA Color Health
Classification: Likely benign for Hereditary cancer-predisposing syndrome. Last evaluated: 2018-04-20. Review status: criteria provided, single submitter. Criteria: ACMG Guidelines, 2015. Collection method: clinical testing. Allele origin: germline.

NM_000038.6(APC):c.7638C>T (p.Thr2546=)

Gene: APC (APC regulator of Wnt signaling pathway; plus strand). Cytogenetic location: 5q22.2.
Variant type: single nucleotide variant.
Coding change: c.7638C>T on transcript NM_000038.6 (MANE Select); coding-DNA position 7638, C replaced by T.
Protein change: p.Thr2546=; no amino-acid change (threonine 2546 retained).
Molecular consequence: synonymous variant.
Genome position (GRCh38, 1-based): chr5:112,843,232, C>T. VCF-style: chr5-112843232-C-T. GRCh37 (hg19) VCF-style: chr5-112178929-C-T.
Other names: c.7638C>T, p.Thr2546= (NM_001127510.3, NM_001354895.2); c.7584C>T, p.Thr2528= (NM_001127511.3); c.7692C>T, p.Thr2564= (NM_001354896.2); c.7668C>T, p.Thr2556= (NM_001354897.2); c.7563C>T, p.Thr2521= (NM_001354898.2); c.7554C>T, p.Thr2518= (NM_001354899.2); c.7515C>T, p.Thr2505= (NM_001354900.2); c.7461C>T, p.Thr2487= (NM_001354901.2); and 5 more.
Identifiers: ClinVar variation 628210 (VCV000628210.19), dbSNP rs1320719611, ClinGen allele CA446211106.